The following is an entry in ClinVar:

NM_018418.5(SPATA7):c.1184G>A (p.Arg395Gln)

Gene: SPATA7 (spermatogenesis associated 7; plus strand). Cytogenetic location: 14q31.3.
Variant type: single nucleotide variant.
Coding change: c.1184G>A on transcript NM_018418.5 (MANE Select); coding-DNA position 1184, G replaced by A.
Protein change: p.Arg395Gln; replaces arginine 395 with glutamine.
Molecular consequence: missense variant.
Genome position (GRCh38, 1-based): chr14:88,437,566, G>A. VCF-style: chr14-88437566-G-A. GRCh37 (hg19) VCF-style: chr14-88903910-G-A.
Other names: c.1088G>A, p.Arg363Gln (NM_001040428.4); c.1184G>A (NM_018418.4); short protein forms R395Q, R363Q.
Identifiers: ClinVar variation 1042184 (VCV001042184.8), dbSNP rs202077954, ClinGen allele CA7298758.

ClinVar aggregate classification (germline): Uncertain significance. Review status: criteria provided, multiple submitters, no conflicts (2 of 4 stars). 3 submissions from 3 submitters: Uncertain significance (3). Last evaluated 2024-07-19.

Conditions:
Inborn genetic diseases. Identifiers: MedGen C0950123, MeSH D030342.
Leber congenital amaurosis 3 (LCA3). Also called: SPATA7-Related Retinitis Pigmentosa. Identifiers: MedGen C1858677, MONDO:0011415, OMIM 604232.

Allele frequency attached by ClinVar (database versions not stated): ExAC 0.00001; gnomAD 0.00001 and 0.00003; gnomAD exomes 0.00002; TOPMed 0.00004; 1000 Genomes Project 30x 0.00016; 1000 Genomes Project 0.00020.
gnomAD v4.1: 59 of 1,610,456 alleles (0.0037%); highest among the groups gnomAD compares: African/African-American, 0.008%; no homozygotes.

Submissions (3):

Blueprint Genetics
Classification: Uncertain significance. Last evaluated: 2024-07-19. Review status: criteria provided, single submitter. Criteria: ACMG Guidelines, 2015. Collection method: clinical testing. Allele origin: germline.

Ambry Genetics
Classification: Uncertain significance for Inborn genetic diseases. Last evaluated: 2023-12-27. Review status: criteria provided, single submitter. Criteria: Ambry Variant Classification Scheme 2023. Collection method: clinical testing. Allele origin: germline.

Labcorp Genetics (formerly Invitae), Labcorp
Classification: Uncertain significance for Leber congenital amaurosis 3. Last evaluated: 2022-08-19. Review status: criteria provided, single submitter. Criteria: Invitae Variant Classification Sherloc (09022015). Collection method: clinical testing. Allele origin: germline.
Comment: This sequence change replaces arginine, which is basic and polar, with glutamine, which is neutral and polar, at codon 395 of the SPATA7 protein (p.Arg395Gln). This variant is present in population databases (rs202077954, gnomAD 0.007%). This variant has not been reported in the literature in individuals affected with SPATA7-related conditions. ClinVar contains an entry for this variant (Variation ID: 1042184). Algorithms developed to predict the effect of missense changes on protein structure and function output the following: SIFT: "Tolerated"; PolyPhen-2: "Benign"; Align-GVGD: "Class C0". The glutamine amino acid residue is found in multiple mammalian species, which suggests that this missense change does not adversely affect protein function. In summary, the available evidence is currently insufficient to determine the role of this variant in disease. Therefore, it has been classified as a Variant of Uncertain Significance.